The following is an entry in ClinVar:

NM_194292.3(SASS6):c.497C>A (p.Ser166Ter)

Gene: SASS6 (SAS-6 centriolar assembly protein; minus strand). Cytogenetic location: 1p21.2.
Variant type: single nucleotide variant.
Coding change: c.497C>A on transcript NM_194292.3 (MANE Select); coding-DNA position 497, C replaced by A.
Protein change: p.Ser166Ter; replaces serine 166 with a stop codon.
Molecular consequence: nonsense. On other transcripts: 5 prime UTR variant (1).
Genome position (GRCh38, 1-based): chr1:100,120,446, G>T on the plus strand (C>A on the coding strand, the complement: SASS6 is on the minus strand). VCF-style: chr1-100120446-G-T. GRCh37 (hg19) VCF-style: chr1-100586002-G-T.
Other names: c.-5C>A (NM_001304829.2); short protein forms S166*.
Identifiers: ClinVar variation 2506119 (VCV002506119.1), dbSNP rs2523730965, ClinGen allele CA341340243.

ClinVar aggregate classification (germline): Likely pathogenic (1 of 4 stars; one submission).

Conditions:
Microcephaly 14, primary, autosomal recessive. Identifiers: Orphanet 2512, MedGen C4225338, MONDO:0014623, OMIM 616402.

gnomAD v4.1: 2 of 1,448,760 alleles (0.00014%); highest among the groups gnomAD compares: Non-Finnish European, 0.00019%; no homozygotes.

Submission:

Women's Health and Genetics/Laboratory Corporation of America, LabCorp
Classification: Likely pathogenic for Microcephaly 14, primary, autosomal recessive. Last evaluated: 2023-05-09. Review status: criteria provided, single submitter. Criteria: LabCorp Variant Classification Summary - May 2015. Collection method: clinical testing. Allele origin: germline.
Comment: Variant summary: SASS6 c.497C>A (p.Ser166X) results in a premature termination codon, predicted to cause a truncation of the encoded protein or absence of the protein due to nonsense mediated decay. The variant was absent in 248860 control chromosomes. To our knowledge, no occurrence of c.497C>A in individuals affected with Microcephaly 14, Primary, Autosomal Recessive and no experimental evidence demonstrating its impact on protein function have been reported. No clinical diagnostic laboratories have submitted clinical-significance assessments for this variant to ClinVar after 2014. Based on the evidence outlined above, the variant was classified as likely pathogenic.